The following is an entry in ClinVar:

NM_000218.3(KCNQ1):c.1514+37402C>G

Genes: KCNQ1 (potassium voltage-gated channel subfamily Q member 1; plus strand), KCNQ1OT1 (KCNQ1 opposite strand/antisense transcript 1; minus strand). Cytogenetic location: 11p15.5.
Variant type: single nucleotide variant.
Coding change: c.1514+37402C>G on transcript NM_000218.3 (MANE Select); 37402 bases into the intron after coding-DNA position 1514, C replaced by G.
Molecular consequence: intron variant. On other transcripts: non-coding transcript variant (1).
Genome position (GRCh38, 1-based): chr11:2,699,483, C>G. VCF-style: chr11-2699483-C-G. GRCh37 (hg19) VCF-style: chr11-2720713-C-G.
Other names: c.1244+37402C>G (NM_001406837.1); c.1418+37402C>G (NM_001406836.1); c.974+37402C>G (NM_001406838.1); c.1133+37402C>G (NM_181798.2).
Identifiers: ClinVar variation 2641500 (VCV002641500.24), dbSNP rs1016576178, ClinGen allele CA216198276.

ClinVar aggregate classification (germline): Benign (1 of 4 stars; one submission).

Allele frequency attached by ClinVar (database versions not stated): gnomAD 0.00060; gnomAD exomes 0.00062.
gnomAD v4.1: 212 of 355,070 alleles (0.06%); highest among the groups gnomAD compares: Middle Eastern, 0.13%; no homozygotes.

Submission:

CeGaT Center for Human Genetics Tuebingen
Classification: Benign. Last evaluated: 2024-09-01. Review status: criteria provided, single submitter. Criteria: CeGaT Center For Human Genetics Tuebingen Variant Classification Criteria Version 2. Collection method: clinical testing. Allele origin: germline. Affected: yes. Observed: 6 variant alleles.
Comment: KCNQ1OT1: BS1, BS2